The following is an entry in ClinVar:

NM_003482.4(KMT2D):c.14309C>T (p.Pro4770Leu)

Gene: KMT2D (lysine methyltransferase 2D; minus strand). Cytogenetic location: 12q13.12.
Variant type: single nucleotide variant.
Coding change: c.14309C>T on transcript NM_003482.4 (MANE Select); coding-DNA position 14309, C replaced by T.
Protein change: p.Pro4770Leu; replaces proline 4770 with leucine.
Molecular consequence: missense variant.
Genome position (GRCh38, 1-based): chr12:49,028,901, G>A on the plus strand (C>T on the coding strand, the complement: KMT2D is on the minus strand). VCF-style: chr12-49028901-G-A. GRCh37 (hg19) VCF-style: chr12-49422684-G-A.
Other names: short protein forms P4770L.
Identifiers: ClinVar variation 3061379 (VCV003061379.2), dbSNP rs2120387592, ClinGen allele CA384696300.

ClinVar aggregate classification (germline): Uncertain significance (0 of 4 stars; one submission).

Conditions:
KMT2D-related disorder. Also called: KMT2D-Related Disorders.

Submission:

PreventionGenetics, part of Exact Sciences
Classification: Uncertain significance for KMT2D-related condition. Last evaluated: 2024-02-20. Review status: no assertion criteria provided. Collection method: clinical testing. Allele origin: germline.
Comment: The KMT2D c.14309C>T variant is predicted to result in the amino acid substitution p.Pro4770Leu. To our knowledge, this variant has not been reported in the literature or in a large population database, indicating this variant is rare. At this time, the clinical significance of this variant is uncertain due to the absence of conclusive functional and genetic evidence.